The following is an entry in ClinVar:

ClinVar aggregate classification (germline): Conflicting classifications of pathogenicity. Review status: criteria provided, conflicting classifications (1 of 4 stars). 3 submissions from 3 submitters: Uncertain significance (2); Likely benign (1). Last evaluated 2025-09-02.

Allele frequency attached by ClinVar (database versions not stated): ExAC 0.00038; 1000 Genomes Project 0.00060; 1000 Genomes Project 30x 0.00078; gnomAD 0.00083; TOPMed 0.00113; ESP Exome Variant Server 0.00123.
gnomAD v4.1: 310 of 1,609,930 alleles (0.019%); highest among the groups gnomAD compares: African/African-American, 0.35%; no homozygotes.

Submissions (3):

Labcorp Genetics (formerly Invitae), Labcorp
Classification: Likely benign. Last evaluated: 2025-09-02. Review status: criteria provided, single submitter. Criteria: Invitae Variant Classification Sherloc (09022015). Collection method: clinical testing. Allele origin: germline.

ARUP Laboratories, Molecular Genetics and Genomics, ARUP Laboratories
Classification: Uncertain significance. Last evaluated: 2023-05-02. Review status: criteria provided, single submitter. Criteria: ARUP Molecular Germline Variant Investigation Process 2024. Collection method: clinical testing. Allele origin: germline.
Comment: The HSPG2 c.8941G>A; p.Val2981Ile variant (rs2229490), to our knowledge, is not reported in the medical literature but is reported in ClinVar (Variation ID: 289426). This variant is found in the African population with an allele frequency of 0.3% (76/24,484 alleles) in the Genome Aggregation Database. Computational analyses predict that this variant is neutral (REVEL: 0.033). While the high population frequency suggests that this is likely a benign variant, given the lack of clinical and functional data, the significance of this variant is uncertain at this time.

Eurofins Ntd Llc (ga)
Classification: Uncertain significance. Last evaluated: 2016-08-30. Review status: criteria provided, single submitter. Criteria: EGL Classification Definitions 2015. Collection method: clinical testing. Allele origin: germline. Observed: 2 variant alleles, 2 heterozygotes.

NM_005529.7(HSPG2):c.8941G>A (p.Val2981Ile)

Gene: HSPG2 (heparan sulfate proteoglycan 2; minus strand). Cytogenetic location: 1p36.12.
Variant type: single nucleotide variant.
Coding change: c.8941G>A on transcript NM_005529.7 (MANE Select); coding-DNA position 8941, G replaced by A.
Protein change: p.Val2981Ile; replaces valine 2981 with isoleucine.
Molecular consequence: missense variant.
Genome position (GRCh38, 1-based): chr1:21,842,350, C>T on the plus strand (G>A on the coding strand, the complement: HSPG2 is on the minus strand). VCF-style: chr1-21842350-C-T. GRCh37 (hg19) VCF-style: chr1-22168843-C-T.
Other names: c.8944G>A, p.Val2982Ile (NM_001291860.2); short protein forms V2981I, V2982I.
Identifiers: ClinVar variation 289426 (VCV000289426.17), dbSNP rs2229490, ClinGen allele CA670604.
Genomic context (GRCh38, chr1:21,842,350, plus strand): 5'-GCTCAGGGCCTGGGCCGCTGGCTGCACGACACACATACTCGCCTGAGTCGGCAGGGGAGA[C>T]GAGGTGGAGCCGCAGCTGGGAGCCATGGGTCTGTCAGAGCAGCGAGGGGACAGTTATCAG-3'
Protein context (NP_005520.4, residues 2971-2991): THGSQLRLHL[Val2981Ile]SPADSGEYVC